The following is an entry in ClinVar:

NM_000271.5(NPC1):c.3591+116dup

Gene: NPC1 (NPC intracellular cholesterol transporter 1; minus strand). Cytogenetic location: 18q11.2.
Variant type: Duplication.
Coding change: c.3591+116dup on transcript NM_000271.5 (MANE Select); 116 bases into the intron after coding-DNA position 3591, one base duplicated (T; older notation c.3591+116dupT).
Molecular consequence: intron variant.
Genome position (GRCh38, 1-based): chr18:23,534,330, A duplicated on the plus strand (T on the coding strand, the reverse complement: NPC1 is on the minus strand); the first of 3 consecutive A bases (chr18:23,534,330-23,534,332); duplicating any one gives the same sequence. VCF-style (leftmost placement, unchanged base first): chr18-23534329-G-GA. GRCh37 (hg19) VCF-style: chr18-21114293-G-GA.
Identifiers: ClinVar variation 4982225 (VCV004982225.1).

ClinVar aggregate classification (germline): Likely benign (1 of 4 stars; one submission).

Conditions:
NPC1-related disorder. Also called: NPC1-related condition.

Submission:

PreventionGenetics, part of Exact Sciences
Classification: Likely benign for NPC1-related condition. Last evaluated: 2025-05-22. Review status: criteria provided, single submitter. Criteria: ACMG Guidelines, 2015. Collection method: clinical testing. Allele origin: germline.
Comment: This variant is classified as likely benign based on ACMG/AMP sequence variant interpretation guidelines (Richards et al. 2015 PMID: 25741868, with internal and published modifications).